The following is an entry in ClinVar:

ClinVar aggregate classification (germline): Benign (0 of 4 stars; one submission).

Conditions:
ITPR3-related disorder. Also called: ITPR3-related condition.

Allele frequency attached by ClinVar (database versions not stated): TOPMed 0.00025; gnomAD exomes 0.00027; gnomAD 0.00031; ExAC 0.00056; 1000 Genomes Project 30x 0.00219; 1000 Genomes Project 0.00240.
gnomAD v4.1: 439 of 1,614,146 alleles (0.027%); highest among the groups gnomAD compares: East Asian, 0.8%; 4 homozygotes.

Submission:

PreventionGenetics, part of Exact Sciences
Classification: Benign for ITPR3-related condition. Last evaluated: 2019-06-13. Review status: no assertion criteria provided. Collection method: clinical testing. Allele origin: germline.
Comment: This variant is classified as benign based on ACMG/AMP sequence variant interpretation guidelines (Richards et al. 2015 PMID: 25741868, with internal and published modifications).

NM_002224.4(ITPR3):c.7752G>A (p.Thr2584=)

Gene: ITPR3 (inositol 1,4,5-trisphosphate receptor type 3; plus strand). Cytogenetic location: 6p21.31.
Variant type: single nucleotide variant.
Coding change: c.7752G>A on transcript NM_002224.4 (MANE Select); coding-DNA position 7752, G replaced by A.
Protein change: p.Thr2584=; no amino-acid change (threonine 2584 retained).
Molecular consequence: synonymous variant.
Genome position (GRCh38, 1-based): chr6:33,693,672, G>A. VCF-style: chr6-33693672-G-A. GRCh37 (hg19) VCF-style: chr6-33661449-G-A.
Identifiers: ClinVar variation 3033109 (VCV003033109.2), dbSNP rs183531106, ClinGen allele CA3762277.